The following is an entry in ClinVar:

ClinVar aggregate classification (germline): Uncertain significance. Review status: criteria provided, multiple submitters, no conflicts (2 of 4 stars). 2 submissions from 2 submitters: Uncertain significance (2). Last evaluated 2025-06-15.

Conditions:
Familial sleep-related hypermotor epilepsy. Also called: Autosomal Dominant Sleep-Related Hypermotor (Hyperkinetic) Epilepsy. Identifiers: Orphanet 98784, MedGen C3696898, MONDO:0000030.

gnomAD v4.1: 15 of 1,535,158 alleles (0.00098%); highest among the groups gnomAD compares: South Asian, 0.014%; no homozygotes.

Submissions (2):

Labcorp Genetics (formerly Invitae), Labcorp
Classification: Uncertain significance. Last evaluated: 2025-06-15. Review status: criteria provided, single submitter. Criteria: Invitae Variant Classification Sherloc (09022015). Collection method: clinical testing. Allele origin: germline.
Comment: This sequence change replaces alanine, which is neutral and non-polar, with valine, which is neutral and non-polar, at codon 394 of the CHRNB2 protein (p.Ala394Val). This variant is present in population databases (no rsID available, gnomAD 0.01%). This variant has not been reported in the literature in individuals affected with CHRNB2-related conditions. ClinVar contains an entry for this variant (Variation ID: 3375562). Invitae Evidence Modeling of protein sequence and biophysical properties (such as structural, functional, and spatial information, amino acid conservation, physicochemical variation, residue mobility, and thermodynamic stability) indicates that this missense variant is not expected to disrupt CHRNB2 protein function with a negative predictive value of 95%. In summary, the available evidence is currently insufficient to determine the role of this variant in disease. Therefore, it has been classified as a Variant of Uncertain Significance.

GeneDx
Classification: Uncertain significance. Last evaluated: 2024-05-09. Review status: criteria provided, single submitter. Criteria: GeneDx Variant Classification Process June 2021. Collection method: clinical testing. Allele origin: germline. Affected: yes.
Comment: In silico analysis indicates that this missense variant does not alter protein structure/function; Has not been previously published as pathogenic or benign to our knowledge

NM_000748.3(CHRNB2):c.1181C>T (p.Ala394Val)

Gene: CHRNB2 (cholinergic receptor nicotinic beta 2 subunit; plus strand). Cytogenetic location: 1q21.3.
Variant type: single nucleotide variant.
Coding change: c.1181C>T on transcript NM_000748.3 (MANE Select); coding-DNA position 1181, C replaced by T.
Protein change: p.Ala394Val; replaces alanine 394 with valine.
Molecular consequence: missense variant.
Genome position (GRCh38, 1-based): chr1:154,572,004, C>T. VCF-style: chr1-154572004-C-T. GRCh37 (hg19) VCF-style: chr1-154544480-C-T.
Other names: short protein forms A394V.
Identifiers: ClinVar variation 3375562 (VCV003375562.2).